The following is an entry in ClinVar:

NM_000075.4(CDK4):c.319G>A (p.Ala107Thr)

Gene: CDK4 (cyclin dependent kinase 4; minus strand). Cytogenetic location: 12q14.1.
Variant type: single nucleotide variant.
Coding change: c.319G>A on transcript NM_000075.4 (MANE Select); coding-DNA position 319, G replaced by A.
Protein change: p.Ala107Thr; replaces alanine 107 with threonine.
Molecular consequence: missense variant.
Genome position (GRCh38, 1-based): chr12:57,751,242, C>T on the plus strand (G>A on the coding strand, the complement: CDK4 is on the minus strand). VCF-style: chr12-57751242-C-T. GRCh37 (hg19) VCF-style: chr12-58145025-C-T.
Other names: short protein forms A107T.
Identifiers: ClinVar variation 1042979 (VCV001042979.8), dbSNP rs1955233778, ClinGen allele CA385547682.

ClinVar aggregate classification (germline): Uncertain significance (1 of 4 stars; one submission).

Conditions:
Familial melanoma. Also called: Hereditary melanoma; Hereditary cutaneous melanoma. Identifiers: Orphanet 618, MedGen C1512419, MONDO:0018961.

Allele frequency attached by ClinVar (database versions not stated): gnomAD exomes below 0.00001.
gnomAD v4.1: 1 of 1,614,170 alleles (0.000062%); highest among the groups gnomAD compares: Non-Finnish European, 0.000085%; no homozygotes.

Submission:

Labcorp Genetics (formerly Invitae), Labcorp
Classification: Uncertain significance for Familial melanoma. Last evaluated: 2024-03-06. Review status: criteria provided, single submitter. Criteria: Invitae Variant Classification Sherloc (09022015). Collection method: clinical testing. Allele origin: germline.
Comment: This sequence change replaces alanine, which is neutral and non-polar, with threonine, which is neutral and polar, at codon 107 of the CDK4 protein (p.Ala107Thr). This variant is not present in population databases (gnomAD no frequency). This variant has not been reported in the literature in individuals affected with CDK4-related conditions. ClinVar contains an entry for this variant (Variation ID: 1042979). Advanced modeling of protein sequence and biophysical properties (such as structural, functional, and spatial information, amino acid conservation, physicochemical variation, residue mobility, and thermodynamic stability) performed at Invitae indicates that this missense variant is not expected to disrupt CDK4 protein function with a negative predictive value of 95%. In summary, the available evidence is currently insufficient to determine the role of this variant in disease. Therefore, it has been classified as a Variant of Uncertain Significance.